The following is an entry in ClinVar:

NM_001110556.2(FLNA):c.3763A>G (p.Thr1255Ala)

Gene: FLNA (filamin A; minus strand). Cytogenetic location: Xq28.
Variant type: single nucleotide variant.
Coding change: c.3763A>G on transcript NM_001110556.2 (MANE Select); coding-DNA position 3763, A replaced by G.
Protein change: p.Thr1255Ala; replaces threonine 1255 with alanine.
Molecular consequence: missense variant.
Genome position (GRCh38, 1-based): chrX:154,360,032, T>C on the plus strand (A>G on the coding strand, the complement: FLNA is on the minus strand). VCF-style: chrX-154360032-T-C. GRCh37 (hg19) VCF-style: chrX-153588400-T-C.
Other names: c.3763A>G, p.Thr1255Ala (NM_001456.4); short protein forms T1255A.
Identifiers: ClinVar variation 852169 (VCV000852169.10), dbSNP rs2067692917, ClinGen allele CA415222696.
Genomic context (GRCh38, chrX:154,360,032, plus strand): 5'-CACGGCAGGGCAACTCACCCTGGCCCTCAATACCAGGCCCATAGCACTGGACACCGGAAG[T>C]GTCCACCGCAGGTTCCACCTGCAGCTTGCTGGGGAAGTTGGGCACGGGCTGGCCGCCGTA-3'
Protein context (NP_001104026.1, residues 1245-1265): SKLQVEPAVD[Thr1255Ala]SGVQCYGPGI

ClinVar aggregate classification (germline): Uncertain significance (1 of 4 stars; one submission).

Conditions:
Frontometaphyseal dysplasia (FMD1). Identifiers: Orphanet 1826, MedGen C0265293, MONDO:0015942.
Oto-palato-digital syndrome, type II (OPD2). Also called: FACIOPALATOOSSEOUS SYNDROME; OPD II SYNDROME; Otopalatodigital Syndrome, Type II; Otopalatodigital Syndrome Type 2 (FLNA-OPD2). Identifiers: Orphanet 669, Orphanet 90652, MedGen C1844696, MONDO:0010571, OMIM 304120.
Heterotopia, periventricular, X-linked dominant (PVNH1). Also called: PERIVENTRICULAR NODULAR HETEROTOPIA 1; X-linked periventricular heterotopia; PERIVENTRICULAR NODULAR HETEROTOPIA 4; HETEROTOPIA, PERIVENTRICULAR, 1. Identifiers: Orphanet 2149, Orphanet 82004, MedGen C1848213, MONDO:0010233, OMIM 300049.
Melnick-Needles syndrome (MNS). Also called: MELNICK-NEEDLES OSTEODYSPLASTY; OSTEODYSPLASTY OF MELNICK AND NEEDLES; Melnick-Needles Syndrome (FLNA-MNS). Identifiers: Orphanet 2484, MedGen C0025237, MONDO:0010650, OMIM 309350.

Allele frequency attached by ClinVar (database versions not stated): gnomAD 0.00001.

Submission:

Labcorp Genetics (formerly Invitae), Labcorp
Classification: Uncertain significance for Oto-palato-digital syndrome, type II; Heterotopia, periventricular, X-linked dominant; Frontometaphyseal dysplasia; Melnick-Needles syndrome. Last evaluated: 2019-11-19. Review status: criteria provided, single submitter. Criteria: Invitae Variant Classification Sherloc (09022015). Collection method: clinical testing. Allele origin: germline.
Comment: In summary, the available evidence is currently insufficient to determine the role of this variant in disease. Therefore, it has been classified as a Variant of Uncertain Significance. Algorithms developed to predict the effect of missense changes on protein structure and function (SIFT, PolyPhen-2, Align-GVGD) all suggest that this variant is likely to be tolerated, but these predictions have not been confirmed by published functional studies and their clinical significance is uncertain. This variant has not been reported in the literature in individuals with FLNA-related conditions. This variant is not present in population databases (ExAC no frequency). This sequence change replaces threonine with alanine at codon 1255 of the FLNA protein (p.Thr1255Ala). The threonine residue is highly conserved and there is a small physicochemical difference between threonine and alanine.